The following is an entry in ClinVar:

NM_000276.4(OCRL):c.2487G>A (p.Pro829=)

Gene: OCRL (OCRL inositol polyphosphate-5-phosphatase; plus strand). Cytogenetic location: Xq26.1.
Variant type: single nucleotide variant.
Coding change: c.2487G>A on transcript NM_000276.4 (MANE Select); coding-DNA position 2487, G replaced by A.
Protein change: p.Pro829=; no amino-acid change (proline 829 retained).
Molecular consequence: synonymous variant.
Genome position (GRCh38, 1-based): chrX:129,589,862, G>A. VCF-style: chrX-129589862-G-A. GRCh37 (hg19) VCF-style: chrX-128723839-G-A.
Other names: c.2490G>A, p.Pro830= (NM_001318784.2); c.2463G>A, p.Pro821= (NM_001587.4); c.2487G>A (NM_000276.3).
Identifiers: ClinVar variation 2174391 (VCV002174391.7), dbSNP rs763309500, ClinGen allele CA10512381.

ClinVar aggregate classification (germline): Likely benign. Review status: criteria provided, multiple submitters, no conflicts (2 of 4 stars). 3 submissions from 3 submitters: Likely benign (2). 1 of the submissions does not count toward it. Last evaluated 2026-01-20.

Conditions:
Lowe syndrome (OCRL). Also called: Oculocerebrorenal Syndrome; PHOSPHATIDYLINOSITOL 4,5-BISPHOSPHATE 5-PHOSPHATASE DEFICIENCY; LOWE OCULOCEREBRORENAL SYNDROME. Identifiers: Orphanet 534, MedGen C0028860, MONDO:0010645, OMIM 309000.
OCRL-related disorder. Also called: OCRL-related condition.

Allele frequency attached by ClinVar (database versions not stated): ExAC 0.00002; gnomAD exomes 0.00002; gnomAD 0.00003; TOPMed 0.00003.
gnomAD v4.1: 19 of 1,206,386 alleles (0.0016%); highest among the groups gnomAD compares: East Asian, 0.0059%; no homozygotes.

Submissions (3):

Labcorp Genetics (formerly Invitae), Labcorp
Classification: Likely benign for Lowe syndrome. Last evaluated: 2026-01-20. Review status: criteria provided, single submitter. Criteria: Invitae Variant Classification Sherloc (09022015). Collection method: clinical testing. Allele origin: germline.

Blueprint Genetics
Classification: Likely benign. Last evaluated: 2022-01-28. Review status: criteria provided, single submitter. Criteria: ACMG Guidelines, 2015. Collection method: clinical testing. Allele origin: germline.

PreventionGenetics, part of Exact Sciences
Classification: Likely benign for OCRL-related condition. Last evaluated: 2022-12-07. Review status: no assertion criteria provided. Collection method: clinical testing. Allele origin: germline. Not counted in ClinVar's aggregate classification.
Comment: This variant is classified as likely benign based on ACMG/AMP sequence variant interpretation guidelines (Richards et al. 2015 PMID: 25741868, with internal and published modifications).